The following is an entry in ClinVar:

NM_033305.3(VPS13A):c.799C>T (p.Arg267Ter)

Gene: VPS13A (vacuolar protein sorting 13 homolog A; plus strand). Cytogenetic location: 9q21.2.
Variant type: single nucleotide variant.
Coding change: c.799C>T on transcript NM_033305.3 (MANE Select); coding-DNA position 799, C replaced by T.
Protein change: p.Arg267Ter; replaces arginine 267 with a stop codon.
Molecular consequence: nonsense.
Genome position (GRCh38, 1-based): chr9:77,219,998, C>T. VCF-style: chr9-77219998-C-T. GRCh37 (hg19) VCF-style: chr9-79834914-C-T.
Other names: c.799C>T, p.Arg267Ter (NM_001018037.2, NM_001018038.3, NM_015186.4); short protein forms R267*.
Identifiers: ClinVar variation 373362 (VCV000373362.45), dbSNP rs771004767, ClinGen allele CA5091486.

ClinVar aggregate classification (germline): Pathogenic. Review status: criteria provided, multiple submitters, no conflicts (2 of 4 stars). 6 submissions from 6 submitters: Pathogenic (6). Last evaluated 2025-12-05.

Conditions:
VPS13A-related neurodegenerative disease. Also called: ACANTHOCYTOSIS WITH NEUROLOGIC DISORDER; Choreaacanthocytosis; LEVINE-CRITCHLEY SYNDROME; Choreoacanthocytosis; Chorea-acanthocytosis; VPS13A Disease. Identifiers: Orphanet 2388, MedGen C0393576, MONDO:0008695, OMIM 200150.
VPS13A-related disorder. Also called: VPS13A-related condition.

Allele frequency attached by ClinVar (database versions not stated): ExAC 0.00001; gnomAD exomes 0.00001.
gnomAD v4.1: 8 of 1,613,444 alleles (0.0005%); highest among the groups gnomAD compares: Admixed American, 0.0017%; no homozygotes.

Submissions (6):

Natera, Inc.
Classification: Pathogenic for Choreaacanthocytosis. Last evaluated: 2025-12-05. Review status: criteria provided, single submitter. Criteria: Natera Variant Classification Schema (03/2026). Collection method: clinical testing. Allele origin: germline.
Comment: The c.799C>T variant in VPS13A is a nonsense variant predicted to introduce a stop codon at amino acid 267. This variant is expected to result in nonsense mediated decay, truncation, or a dysfunctional protein product. This variant is rare in the general population with a frequency below the threshold expected for the associated phenotype(s). This variant has been observed in one or more individuals affected with the associated recessive disease, as either homozygous or compound heterozygous with a second variant (PMID: 31192303). Functional studies show that this variant may disrupt protein function (PMID: 31192303). Given the available evidence, this variant is classified as Pathogenic.

GeneDx
Classification: Pathogenic. Last evaluated: 2025-05-29. Review status: criteria provided, single submitter. Criteria: GeneDx Variant Classification Process June 2021. Collection method: clinical testing. Allele origin: germline. Affected: yes.
Comment: Nonsense variant predicted to result in protein truncation or nonsense mediated decay in a gene for which loss of function is a known mechanism of disease; Not observed at significant frequency in large population cohorts (gnomAD); This variant is associated with the following publications: (PMID: 31589614, 31192303, 37209156)

Labcorp Genetics (formerly Invitae), Labcorp
Classification: Pathogenic. Last evaluated: 2025-05-13. Review status: criteria provided, single submitter. Criteria: Invitae Variant Classification Sherloc (09022015). Collection method: clinical testing. Allele origin: germline.
Comment: This sequence change creates a premature translational stop signal (p.Arg267*) in the VPS13A gene. It is expected to result in an absent or disrupted protein product. Loss-of-function variants in VPS13A are known to be pathogenic (PMID: 12404112, 21598378). This variant is present in population databases (rs771004767, gnomAD 0.003%). This premature translational stop signal has been observed in individual(s) with chorea-acanthocytosis (PMID: 31192303). ClinVar contains an entry for this variant (Variation ID: 373362). For these reasons, this variant has been classified as Pathogenic.

Blueprint Genetics
Classification: Pathogenic for VPS13A-related disorders. Last evaluated: 2024-07-25. Review status: criteria provided, single submitter. Criteria: ACMG Guidelines, 2015. Collection method: clinical testing. Allele origin: germline. Affected: yes. Observed: 2 variant alleles.

Myriad Genetics, Inc.
Classification: Pathogenic for VPS13A-related neurodegenerative disease. Last evaluated: 2024-05-08. Review status: criteria provided, single submitter. Criteria: Myriad Autosomal Dominant, Autosomal Recessive and X-Linked Classification Criteria (2023). Collection method: clinical testing. Allele origin: unknown.
Comment: NM_033305.2(VPS13A):c.799C>T(R267*) is expected to be pathogenic in the context of VPS13A disease. This variant is predicted to lead to an abnormal or absent protein product due to the creation of a premature termination codon in VPS13A, a gene where loss-of-function variants are known to be pathogenic. Please note: this variant was assessed in the context of healthy population screening.

Department of Cell and Molecular Biology, Manipal School of Life Sciences, Manipal Academy of Higher Education
Classification: Pathogenic for VPS13A-related neurodegenerative disease. Last evaluated: 2022-06-20. Review status: criteria provided, single submitter. Criteria: ACMG Guidelines, 2015. Collection method: research. Allele origin: unknown. Affected: yes. Observed: 1 homozygote.
Comment: We identified a stop gain variant in a VPS13A gene where loss of function is known mechanism of disease (Choreoacanthocytosis). The patient phenotype is highly specific for a choreoacanthocytosis and multiple lines of computational evidence support a deleterious effect of variant on the gene or gene product. The variant R267X is also reported as pathogenic variant previously.

Literature cited by the submitters: PubMed 31192303 (cited by Natera, Inc. and Labcorp Genetics (formerly Invitae), Labcorp); PubMed 12404112 (cited by Labcorp Genetics (formerly Invitae), Labcorp); PubMed 21598378 (cited by Labcorp Genetics (formerly Invitae), Labcorp).